The following is an entry in ClinVar:

NM_001379200.1(TBX1):c.902C>A (p.Ala301Glu)

Gene: TBX1 (T-box transcription factor 1; plus strand). Cytogenetic location: 22q11.21.
Variant type: single nucleotide variant.
Coding change: c.902C>A on transcript NM_001379200.1 (MANE Select); coding-DNA position 902, C replaced by A.
Protein change: p.Ala301Glu; replaces alanine 301 with glutamic acid.
Molecular consequence: missense variant.
Genome position (GRCh38, 1-based): chr22:19,765,792, C>A. VCF-style: chr22-19765792-C-A. GRCh37 (hg19) VCF-style: chr22-19753315-C-A.
Other names: c.875C>A, p.Ala292Glu (NM_005992.1, NM_080646.2, NM_080647.1); short protein forms A292E, A301E.
Identifiers: ClinVar variation 2412991 (VCV002412991.3), dbSNP rs1936812731, ClinGen allele CA410683656.
Genomic context (GRCh38, chr22:19,765,792, plus strand): 5'-GCTTGCTCACACCCACCTCCCTGCAGATCACGCAGCTCAAGATTGCCAGCAATCCCTTCG[C>A]GAAAGGCTTCCGGGACTGTGACCCTGAGGACTGGTGAGTGTCCTCCCCCGAGAGAGTGAG-3'
Protein context (NP_001366129.1, residues 291-311): TQLKIASNPF[Ala301Glu]KGFRDCDPED

ClinVar aggregate classification (germline): Uncertain significance (1 of 4 stars; one submission).

Submission:

GeneDx
Classification: Uncertain significance. Last evaluated: 2022-07-28. Review status: criteria provided, single submitter. Criteria: GeneDx Variant Classification Process June 2021. Collection method: clinical testing. Allele origin: germline. Affected: yes.
Comment: Not observed at significant frequency in large population cohorts (gnomAD); In silico analysis supports that this missense variant has a deleterious effect on protein structure/function; Has not been previously published as pathogenic or benign to our knowledge